The following is an entry in ClinVar:

ClinVar aggregate classification (germline): Conflicting classifications of pathogenicity. Review status: criteria provided, conflicting classifications (1 of 4 stars). 7 submissions from 5 submitters: Uncertain significance (2); Likely benign (5). Last evaluated 2025-08-13.

Conditions:
Distal spinal muscular atrophy. Also called: Distal hereditary motor neuronopathy; Distal hereditary motor neuropathy. Identifiers: Orphanet 53739, MedGen C0393541, MONDO:0018894.
Charcot-Marie-Tooth disease type 2D (CMT2D). Also called: CHARCOT-MARIE-TOOTH DISEASE, AXONAL, TYPE 2D; GARS1 Adolescent- or Early Adult-Onset Hereditary Motor/Sensory Neuropathy (GARS1-HMSN); Charcot-Marie-Tooth Neuropathy Type 2D; CHARCOT-MARIE-TOOTH DISEASE, NEURONAL, TYPE 2D. Identifiers: Orphanet 99938, MedGen C1832274, MONDO:0011091, OMIM 601472.
Neuronopathy, distal hereditary motor, type 5A (HMND5). Also called: DHMN VA; NEURONOPATHY, DISTAL HEREDITARY MOTOR, AUTOSOMAL DOMINANT 5; Distal Spinal Muscular Atrophy V; Distal Spinal Muscular Atrophy V (dSMA-V). Identifiers: Orphanet 139536, MedGen CN031873, MONDO:0015353, OMIM 600794.
Charcot-Marie-Tooth disease type 2. Also called: Charcot-Marie-Tooth type 2. Identifiers: Orphanet 64746, MedGen C0270914, MONDO:0018993.

Allele frequency attached by ClinVar (database versions not stated): gnomAD exomes 0.00003 and 0.00008; gnomAD 0.00006 and 0.00007; TOPMed 0.00008; ExAC 0.00009.
gnomAD v4.1: 65 of 1,614,132 alleles (0.004%); highest among the groups gnomAD compares: Middle Eastern, 0.033%; no homozygotes.

Submissions (7):

Ambry Genetics
Classification: Likely benign. Last evaluated: 2025-08-13. Review status: criteria provided, single submitter. Criteria: Ambry Variant Classification Scheme 2023. Collection method: clinical testing. Allele origin: germline.

Labcorp Genetics (formerly Invitae), Labcorp
Classification: Likely benign for Charcot-Marie-Tooth disease type 2. Last evaluated: 2025-06-30. Review status: criteria provided, single submitter. Criteria: Invitae Variant Classification Sherloc (09022015). Collection method: clinical testing. Allele origin: germline.

Women's Health and Genetics/Laboratory Corporation of America, LabCorp
Classification: Uncertain significance. Last evaluated: 2024-06-03. Review status: criteria provided, single submitter. Criteria: LabCorp Variant Classification Summary - May 2015. Collection method: clinical testing. Allele origin: germline.
Comment: Variant summary: GARS1 c.1478A>G (p.Asn493Ser) results in a conservative amino acid change located in the Aminoacyl-tRNA synthetase, class II domain of the encoded protein sequence. Five of five in-silico tools predict a benign effect of the variant on protein function. The variant allele was found at a frequency of 8e-05 in 249544 control chromosomes. This frequency is not significantly higher than estimated for a pathogenic variant in GARS1 causing GARS1-Related Disorders, allowing no conclusion about variant significance. To our knowledge, no occurrence of c.1478A>G in individuals affected with GARS1-Related Disorders and no experimental evidence demonstrating its impact on protein function have been reported. ClinVar contains an entry for this variant (Variation ID: 360014). Based on the evidence outlined above, the variant was classified as uncertain significance.

CeGaT Center for Human Genetics Tuebingen
Classification: Likely benign. Last evaluated: 2022-11-01. Review status: criteria provided, single submitter. Criteria: CeGaT Center For Human Genetics Tuebingen Variant Classification Criteria Version 2. Collection method: clinical testing. Allele origin: germline. Affected: yes. Observed: 1 variant allele.
Comment: GARS1: BP4

Illumina Laboratory Services, Illumina
Classification: Uncertain significance for Charcot-Marie-Tooth disease type 2D. Last evaluated: 2018-01-12. Review status: criteria provided, single submitter. Criteria: ICSL Variant Classification Criteria 13 December 2019. Collection method: clinical testing. Allele origin: germline.

Illumina Laboratory Services, Illumina
Classification: Likely benign for Distal Spinal Muscular Atrophy. Last evaluated: 2018-01-12. Review status: criteria provided, single submitter. Criteria: ICSL Variant Classification Criteria 13 December 2019. Collection method: clinical testing. Allele origin: germline.
Comment: This variant was observed in the ICSL laboratory as part of a predisposition screen in an ostensibly healthy population. It had not been previously curated by ICSL or reported in the Human Gene Mutation Database (HGMD: prior to June 1st, 2018), and was therefore a candidate for classification through an automated scoring system. Utilizing variant allele frequency, disease prevalence and penetrance estimates, and inheritance mode, an automated score was calculated to assess if this variant is too frequent to cause the disease. Based on the score and internal cut-off values, a variant classified as likely benign is not then subjected to further curation. The score for this variant resulted in a classification of likely benign for this disease.

Illumina Laboratory Services, Illumina
Classification: Likely benign for Distal hereditary motor neuronopathy type 5. Last evaluated: 2018-01-12. Review status: criteria provided, single submitter. Criteria: ICSL Variant Classification Criteria 13 December 2019. Collection method: clinical testing. Allele origin: germline.
Comment: the same text as in the submission from Illumina Laboratory Services, Illumina above.

NM_002047.4(GARS1):c.1478A>G (p.Asn493Ser)

Gene: GARS1 (glycyl-tRNA synthetase 1; plus strand). Cytogenetic location: 7p14.3.
Variant type: single nucleotide variant.
Coding change: c.1478A>G on transcript NM_002047.4 (MANE Select); coding-DNA position 1478, A replaced by G.
Protein change: p.Asn493Ser; replaces asparagine 493 with serine.
Molecular consequence: missense variant.
Genome position (GRCh38, 1-based): chr7:30,622,327, A>G. VCF-style: chr7-30622327-A-G. GRCh37 (hg19) VCF-style: chr7-30661943-A-G.
Other names: c.1478A>G (LRG_243t1); c.1316A>G, p.Asn439Ser (NM_001316772.1); short protein forms N493S, N439S.
Identifiers: ClinVar variation 360014 (VCV000360014.45), dbSNP rs538571144, ClinGen allele CA4205989.
Genomic context (GRCh38, chr7:30,622,327, plus strand): 5'-TGAAATACTGAGGCAGTGCTGTAGTTTTGGATTCCTTGACTACTTCATACAAAACAGTCA[A>G]TGTTGTTCAGTTTGAACCCAGTAAGGGAGCAATTGGTAAGGCATATAAGAAGGATGCAAA-3'
Protein context (NP_002038.2, residues 483-503): EKPLKEPKTV[Asn493Ser]VVQFEPSKGA